The following is an entry in ClinVar:

NM_012469.4(PRPF6):c.2599A>G (p.Thr867Ala)

Gene: PRPF6 (pre-mRNA processing factor 6; plus strand). Cytogenetic location: 20q13.33.
Variant type: single nucleotide variant.
Coding change: c.2599A>G on transcript NM_012469.4 (MANE Select); coding-DNA position 2599, A replaced by G.
Protein change: p.Thr867Ala; replaces threonine 867 with alanine.
Molecular consequence: missense variant.
Genome position (GRCh38, 1-based): chr20:64,031,970, A>G. VCF-style: chr20-64031970-A-G. GRCh37 (hg19) VCF-style: chr20-62663323-A-G.
Other names: short protein forms T867A.
Identifiers: ClinVar variation 1471901 (VCV001471901.8), dbSNP rs2059316661, ClinGen allele CA409746226.

ClinVar aggregate classification (germline): Uncertain significance (1 of 4 stars; one submission).

Submission:

Labcorp Genetics (formerly Invitae), Labcorp
Classification: Uncertain significance. Last evaluated: 2021-08-05. Review status: criteria provided, single submitter. Criteria: Invitae Variant Classification Sherloc (09022015). Collection method: clinical testing. Allele origin: germline.
Comment: This sequence change replaces threonine with alanine at codon 867 of the PRPF6 protein (p.Thr867Ala). The threonine residue is highly conserved and there is a small physicochemical difference between threonine and alanine. This variant is not present in population databases (ExAC no frequency). This variant has not been reported in the literature in individuals with PRPF6-related conditions. Algorithms developed to predict the effect of missense changes on protein structure and function (SIFT, PolyPhen-2, Align-GVGD) all suggest that this variant is likely to be tolerated, but these predictions have not been confirmed by published functional studies and their clinical significance is uncertain. In summary, the available evidence is currently insufficient to determine the role of this variant in disease. Therefore, it has been classified as a Variant of Uncertain Significance.